The following is an entry in ClinVar:

NM_173354.5(SIK1):c.949G>A (p.Val317Met)

Gene: SIK1 (salt inducible kinase 1; minus strand). Cytogenetic location: 21q22.3.
Variant type: single nucleotide variant.
Coding change: c.949G>A on transcript NM_173354.5 (MANE Select); coding-DNA position 949, G replaced by A.
Protein change: p.Val317Met; replaces valine 317 with methionine.
Molecular consequence: missense variant.
Genome position (GRCh38, 1-based): chr21:43,420,257, C>T on the plus strand (G>A on the coding strand, the complement: SIK1 is on the minus strand). VCF-style: chr21-43420257-C-T. GRCh37 (hg19) VCF-style: chr21-44840137-C-T.
Other names: short protein forms V317M.
Identifiers: ClinVar variation 1001971 (VCV001001971.9), dbSNP rs752551158, ClinGen allele CA321326721.

ClinVar aggregate classification (germline): Uncertain significance (1 of 4 stars; one submission).

Conditions:
Developmental and epileptic encephalopathy, 30 (DEE30). Also called: Epileptic encephalopathy, early infantile, 30. Identifiers: MedGen C4225360, MONDO:0014595, OMIM 616341.

Allele frequency attached by ClinVar (database versions not stated): gnomAD exomes 0.00001; ExAC 0.00002.

Submission:

Labcorp Genetics (formerly Invitae), Labcorp
Classification: Uncertain significance for Developmental and epileptic encephalopathy, 30. Last evaluated: 2022-12-06. Review status: criteria provided, single submitter. Criteria: Invitae Variant Classification Sherloc (09022015). Collection method: clinical testing. Allele origin: germline.
Comment: This variant has not been reported in the literature in individuals affected with SIK1-related conditions. This variant is present in population databases (rs752551158, gnomAD 0.003%). This sequence change replaces valine, which is neutral and non-polar, with methionine, which is neutral and non-polar, at codon 317 of the SIK1 protein (p.Val317Met). ClinVar contains an entry for this variant (Variation ID: 1001971). In summary, the available evidence is currently insufficient to determine the role of this variant in disease. Therefore, it has been classified as a Variant of Uncertain Significance. Advanced modeling of protein sequence and biophysical properties (such as structural, functional, and spatial information, amino acid conservation, physicochemical variation, residue mobility, and thermodynamic stability) performed at Invitae indicates that this missense variant is not expected to disrupt SIK1 protein function.